The following is an entry in ClinVar:

NM_001256545.2(MEGF10):c.1593T>C (p.Asp531=)

Gene: MEGF10 (multiple EGF like domains 10; plus strand). Cytogenetic location: 5q23.2.
Variant type: single nucleotide variant.
Coding change: c.1593T>C on transcript NM_001256545.2 (MANE Select); coding-DNA position 1593, T replaced by C.
Protein change: p.Asp531=; no amino-acid change (aspartic acid 531 retained).
Molecular consequence: synonymous variant.
Genome position (GRCh38, 1-based): chr5:127,422,672, T>C. VCF-style: chr5-127422672-T-C. GRCh37 (hg19) VCF-style: chr5-126758364-T-C.
Other names: c.1593T>C, p.Asp531= (NM_001308119.2, NM_001308121.2, NM_032446.3).
Identifiers: ClinVar variation 707719 (VCV000707719.14), dbSNP rs375928516, ClinGen allele CA3391639.

ClinVar aggregate classification (germline): Likely benign. Review status: criteria provided, multiple submitters, no conflicts (2 of 4 stars). 2 submissions from 2 submitters: Likely benign (2). Last evaluated 2025-12-01.

Conditions:
MEGF10-related myopathy (CMYO10A). Also called: Congenital myopathy 10A, severe variant. Identifiers: Orphanet 439212, MedGen C3280679, MONDO:0013731, OMIM 614399.

Allele frequency attached by ClinVar (database versions not stated): gnomAD exomes below 0.00001 and 0.00002; ExAC 0.00003; gnomAD 0.00006; ESP Exome Variant Server 0.00008; TOPMed 0.00009; 1000 Genomes Project 30x 0.00031.
gnomAD v4.1: 15 of 1,613,740 alleles (0.00093%); highest among the groups gnomAD compares: African/African-American, 0.017%; no homozygotes.

Submissions (2):

CeGaT Center for Human Genetics Tuebingen
Classification: Likely benign. Last evaluated: 2025-12-01. Review status: criteria provided, single submitter. Criteria: CeGaT Center For Human Genetics Tuebingen Variant Classification Criteria Version 2. Collection method: clinical testing. Allele origin: germline. Affected: yes. Observed: 1 variant allele.
Comment: MEGF10: BP4, BP7

Labcorp Genetics (formerly Invitae), Labcorp
Classification: Likely benign for MEGF10-related myopathy. Last evaluated: 2025-11-18. Review status: criteria provided, single submitter. Criteria: Invitae Variant Classification Sherloc (09022015). Collection method: clinical testing. Allele origin: germline.